The following is an entry in ClinVar:

NM_000350.3(ABCA4):c.4539+1G>C

Gene: ABCA4 (ATP binding cassette subfamily A member 4; minus strand). Cytogenetic location: 1p22.1.
Variant type: single nucleotide variant.
Coding change: c.4539+1G>C on transcript NM_000350.3 (MANE Select); the canonical splice donor site of the intron after coding-DNA position 4539, G replaced by C.
Molecular consequence: splice donor variant.
Genome position (GRCh38, 1-based): chr1:94,029,444, C>G on the plus strand (G>C on the coding strand, the complement: ABCA4 is on the minus strand). VCF-style: chr1-94029444-C-G. GRCh37 (hg19) VCF-style: chr1-94495000-C-G.
Other names: c.4317+1G>C (NM_001425324.1).
Identifiers: ClinVar variation 3370411 (VCV003370411.1).

ClinVar aggregate classification (germline): Likely pathogenic (0 of 4 stars; one submission).

Conditions:
Severe early-childhood-onset retinal dystrophy (STGD1). Also called: Stargardt macular dystrophy; Juvenile onset macular degeneration; Stargardt disease 1; MACULAR DYSTROPHY WITH FLECKS, TYPE 1; STGD. Identifiers: Orphanet 364055, Orphanet 827, MedGen C1855465, MeSH D000080362, MONDO:0009549, OMIM 248200.

Submission:

Department of Genetics, Suzhou Beikang Medical Laboratory
Classification: Likely pathogenic for Severe early-childhood-onset retinal dystrophy. Last evaluated: 2024-10-31. Review status: no assertion criteria provided. Collection method: clinical testing. Allele origin: germline. Affected: no.
Comment: This sequence change affects a donor splice site in intron 30 of the ABCA4 gene. It is expected to disrupt RNA splicing. Variants that disrupt the donor or acceptor splice site typically lead to a loss of protein function (PMID: 16199547), and loss-of-function variants in ABCA4 are known to be pathogenic (PMID: 9054934, 9092582, 10412977, 10888868, 20238056, 22735453, 22886305, 24707049, 10958761, 24938718, 25312043, 26780318). This variant is not present in population databases (gnomAD no frequency). Algorithms developed to predict the effect of sequence changes on RNA splicing suggest that this variant may disrupt the consensus splice site. For these reasons, this variant has been classified as Likely pathogenic.